The following is an entry in ClinVar:

ClinVar aggregate classification (germline): Uncertain significance (1 of 4 stars; one submission).

Conditions:
Long QT syndrome 1 (LQT1). Identifiers: Orphanet 101016, Orphanet 768, MedGen C4551647, MONDO:0100316, OMIM 192500, MONDO:0008646.

Allele frequency attached by ClinVar (database versions not stated): gnomAD exomes below 0.00001.
gnomAD v4.1: 1 of 1,614,182 alleles (0.000062%); highest among the groups gnomAD compares: Non-Finnish European, 0.000085%; no homozygotes.

Submission:

Labcorp Genetics (formerly Invitae), Labcorp
Classification: Uncertain significance for Long QT syndrome 1. Last evaluated: 2017-09-25. Review status: criteria provided, single submitter. Criteria: Invitae Variant Classification Sherloc (09022015). Collection method: clinical testing. Allele origin: germline.
Comment: This sequence change replaces isoleucine with valine at codon 53 of the CALM2 protein (p.Ile53Val). The isoleucine residue is highly conserved and there is a small physicochemical difference between isoleucine and valine. This variant is not present in population databases (ExAC no frequency) and has not been reported in the literature in individuals with a CALM2-related disease. Algorithms developed to predict the effect of missense changes on protein structure and function (SIFT, PolyPhen-2, Align-GVGD) all suggest that this variant is likely to be tolerated, but these predictions have not been confirmed by published functional studies. Algorithms developed to predict the effect of sequence changes on RNA splicing suggest that this variant may alter RNA splicing, but this prediction has not been confirmed by published transcriptional studies. In summary, this variant is a novel missense change with uncertain impact on protein function. It has been classified as a Variant of Uncertain Significance.

NM_001743.6(CALM2):c.157A>G (p.Ile53Val)

Gene: CALM2 (calmodulin 2; minus strand). Cytogenetic location: 2p21.
Variant type: single nucleotide variant.
Coding change: c.157A>G on transcript NM_001743.6 (MANE Select); coding-DNA position 157, A replaced by G.
Protein change: p.Ile53Val; replaces isoleucine 53 with valine.
Molecular consequence: missense variant.
Genome position (GRCh38, 1-based): chr2:47,162,540, T>C on the plus strand (A>G on the coding strand, the complement: CALM2 is on the minus strand). VCF-style: chr2-47162540-T-C. GRCh37 (hg19) VCF-style: chr2-47389679-T-C.
Other names: c.301A>G, p.Ile101Val (NM_001305624.1); c.49A>G, p.Ile17Val (NM_001305625.2, NM_001305626.1); short protein forms I17V, I53V, I101V.
Identifiers: ClinVar variation 458189 (VCV000458189.8), dbSNP rs1553431807, ClinGen allele CA346719813.